The following is an entry in ClinVar:

NM_025103.4(IFT74):c.42A>G (p.Ser14=)

Gene: IFT74 (intraflagellar transport 74; plus strand). Cytogenetic location: 9p21.2.
Variant type: single nucleotide variant.
Coding change: c.42A>G on transcript NM_025103.4 (MANE Select); coding-DNA position 42, A replaced by G.
Protein change: p.Ser14=; no amino-acid change (serine 14 retained).
Molecular consequence: synonymous variant.
Genome position (GRCh38, 1-based): chr9:26,962,009, A>G. VCF-style: chr9-26962009-A-G. GRCh37 (hg19) VCF-style: chr9-26962007-A-G.
Other names: c.42A>G (NM_025103.2); c.42A>G, p.Ser14= (NM_001099222.3, NM_001099223.3, NM_001099224.3 and 1 more transcripts).
Identifiers: ClinVar variation 3014937 (VCV003014937.4), dbSNP rs372863388, ClinGen allele CA5014791.

ClinVar aggregate classification (germline): Likely benign. Review status: criteria provided, single submitter (1 of 4 stars). 2 submissions from 2 submitters: Likely benign (1). 1 of the submissions does not count toward it. Last evaluated 2023-05-25.

Conditions:
IFT74-related disorder. Also called: IFT74-Related Disorders; IFT74-related condition.

Allele frequency attached by ClinVar (database versions not stated): gnomAD exomes below 0.00001; ExAC 0.00001; gnomAD 0.00006; TOPMed 0.00006; ESP Exome Variant Server 0.00008.
gnomAD v4.1: 11 of 1,614,064 alleles (0.00068%); highest among the groups gnomAD compares: African/African-American, 0.015%; no homozygotes.

Submissions (2):

Labcorp Genetics (formerly Invitae), Labcorp
Classification: Likely benign. Last evaluated: 2023-05-25. Review status: criteria provided, single submitter. Criteria: Invitae Variant Classification Sherloc (09022015). Collection method: clinical testing. Allele origin: germline.

PreventionGenetics, part of Exact Sciences
Classification: Likely benign for IFT74-related condition. Last evaluated: 2023-07-26. Review status: no assertion criteria provided. Collection method: clinical testing. Allele origin: germline. Not counted in ClinVar's aggregate classification.
Comment: This variant is classified as likely benign based on ACMG/AMP sequence variant interpretation guidelines (Richards et al. 2015 PMID: 25741868, with internal and published modifications).